The following is an entry in ClinVar:

NM_001083962.2(TCF4):c.*451A>G

Gene: TCF4 (transcription factor 4; minus strand). Cytogenetic location: 18q21.2.
Variant type: single nucleotide variant.
Coding change: c.*451A>G on transcript NM_001083962.2 (MANE Select); 451 bases downstream of the stop codon, A replaced by G.
Molecular consequence: 3 prime UTR variant.
Genome position (GRCh38, 1-based): chr18:55,227,584, T>C on the plus strand (A>G on the coding strand, the complement: TCF4 is on the minus strand). VCF-style: chr18-55227584-T-C. GRCh37 (hg19) VCF-style: chr18-52894815-T-C.
Other names: c.*451A>G (NM_001243226.3, NM_001243227.2, NM_001243228.2 and 42 more transcripts).
Identifiers: ClinVar variation 327299 (VCV000327299.5), dbSNP rs115039389, ClinGen allele CA10651859.
Genomic context (GRCh38, chr18:55,227,584, plus strand): 5'-CTAATTCAATATCCAGTAATTATAAACACTAGCTGACTTGAATACCAACAAAAACGTTCA[T>C]GTAGTTTTCTTCAGAAGTACACTTTTTCATTATTGCAAGTTTACAATTTTTTTTAAATTA-3'

ClinVar aggregate classification (germline): Benign (1 of 4 stars; one submission).

Conditions:
Pitt-Hopkins syndrome (PTHS). Also called: ENCEPHALOPATHY, SEVERE EPILEPTIC, WITH AUTONOMIC DYSFUNCTION; MENTAL RETARDATION, SYNDROMAL, WITH INTERMITTENT HYPERVENTILATION. Identifiers: Orphanet 2896, MedGen C1970431, MONDO:0012589, OMIM 610954.

Allele frequency attached by ClinVar (database versions not stated): gnomAD 0.01715; TOPMed 0.01850; 1000 Genomes Project 0.02236; 1000 Genomes Project 30x 0.02374.

Submission:

Illumina Laboratory Services, Illumina
Classification: Benign for Pitt-Hopkins syndrome. Last evaluated: 2018-01-13. Review status: criteria provided, single submitter. Criteria: ICSL Variant Classification Criteria 13 December 2019. Collection method: clinical testing. Allele origin: germline.
Comment: This variant was observed in the ICSL laboratory as part of a predisposition screen in an ostensibly healthy population. It had not been previously curated by ICSL or reported in the Human Gene Mutation Database (HGMD: prior to June 1st, 2018), and was therefore a candidate for classification through an automated scoring system. Utilizing variant allele frequency, disease prevalence and penetrance estimates, and inheritance mode, an automated score was calculated to assess if this variant is too frequent to cause the disease. Based on the score and internal cut-off values, a variant classified as benign is not then subjected to further curation. The score for this variant resulted in a classification of benign for this disease.